The following is an entry in ClinVar:

ClinVar aggregate classification (germline): Uncertain significance (1 of 4 stars; one submission).

Conditions:
Congenital disorder of glycosylation, type Iaa. Also called: Congenital disorder of glycosylation, type 1aa. Identifiers: MedGen C4310727, MONDO:0014904, OMIM 617082.

Allele frequency attached by ClinVar (database versions not stated): TOPMed below 0.00001.
gnomAD v4.1: 9 of 1,529,776 alleles (0.00059%); highest among the groups gnomAD compares: Non-Finnish European, 0.00079%; no homozygotes.

Submission:

Labcorp Genetics (formerly Invitae), Labcorp
Classification: Uncertain significance for Congenital disorder of glycosylation, type Iaa. Last evaluated: 2023-04-26. Review status: criteria provided, single submitter. Criteria: Invitae Variant Classification Sherloc (09022015). Collection method: clinical testing. Allele origin: germline.
Comment: In summary, the available evidence is currently insufficient to determine the role of this variant in disease. Therefore, it has been classified as a Variant of Uncertain Significance. An algorithm developed to predict the effect of missense changes on protein structure and function (PolyPhen-2) suggests that this variant is likely to be tolerated. This variant has not been reported in the literature in individuals affected with NUS1-related conditions. This variant is not present in population databases (gnomAD no frequency). This sequence change replaces histidine, which is basic and polar, with glutamine, which is neutral and polar, at codon 19 of the NUS1 protein (p.His19Gln).

NM_138459.5(NUS1):c.57C>G (p.His19Gln)

Gene: NUS1 (NUS1 dehydrodolichyl diphosphate synthase subunit; plus strand). Cytogenetic location: 6q22.1.
Variant type: single nucleotide variant.
Coding change: c.57C>G on transcript NM_138459.5 (MANE Select); coding-DNA position 57, C replaced by G.
Protein change: p.His19Gln; replaces histidine 19 with glutamine.
Molecular consequence: missense variant.
Genome position (GRCh38, 1-based): chr6:117,675,727, C>G. VCF-style: chr6-117675727-C-G. GRCh37 (hg19) VCF-style: chr6-117996890-C-G.
Other names: short protein forms H19Q.
Identifiers: ClinVar variation 3014693 (VCV003014693.3), dbSNP rs974335534, ClinGen allele CA365535808.